The following is an entry in ClinVar:

NM_020937.4(FANCM):c.1789-13T>G

Gene: FANCM (FA complementation group M; plus strand). Cytogenetic location: 14q21.2.
Variant type: single nucleotide variant.
Coding change: c.1789-13T>G on transcript NM_020937.4 (MANE Select); 13 bases into the intron before coding-DNA position 1789, T replaced by G.
Molecular consequence: intron variant.
Genome position (GRCh38, 1-based): chr14:45,166,937, T>G. VCF-style: chr14-45166937-T-G. GRCh37 (hg19) VCF-style: chr14-45636140-T-G.
Other names: c.1711-13T>G (NM_001308133.2); c.1789-13T>G (NM_001308134.2).
Identifiers: ClinVar variation 1711991 (VCV001711991.2), dbSNP rs1488599248, ClinGen allele CA614273556.

ClinVar aggregate classification (germline): Uncertain significance (1 of 4 stars; one submission).

Allele frequency attached by ClinVar (database versions not stated): gnomAD 0.00001; TOPMed 0.00002.

Submission:

GeneDx
Classification: Uncertain significance. Last evaluated: 2022-04-20. Review status: criteria provided, single submitter. Criteria: GeneDx Variant Classification Process June 2021. Collection method: clinical testing. Allele origin: germline. Affected: yes.
Comment: Not observed at significant frequency in large population cohorts (gnomAD); In silico analysis supports a deleterious effect on splicing; Has not been previously published as pathogenic or benign to our knowledge